The following is an entry in ClinVar:

ClinVar aggregate classification (germline): Likely benign (0 of 4 stars; one submission).

Conditions:
SARDH-related disorder. Also called: SARDH-related condition.

Allele frequency attached by ClinVar (database versions not stated): 1000 Genomes Project 0.00120; 1000 Genomes Project 30x 0.00125; ExAC 0.00138; gnomAD 0.00163; TOPMed 0.00184; ESP Exome Variant Server 0.00277.
gnomAD v4.1: 433 of 1,547,882 alleles (0.028%); highest among the groups gnomAD compares: African/African-American, 0.56%; 2 homozygotes.

Submission:

PreventionGenetics, part of Exact Sciences
Classification: Likely benign for SARDH-related condition. Last evaluated: 2019-05-27. Review status: no assertion criteria provided. Collection method: clinical testing. Allele origin: germline.
Comment: This variant is classified as likely benign based on ACMG/AMP sequence variant interpretation guidelines (Richards et al. 2015 PMID: 25741868, with internal and published modifications).

NM_001134707.2(SARDH):c.270G>C (p.Met90Ile)

Gene: SARDH (sarcosine dehydrogenase; minus strand). Cytogenetic location: 9q34.2.
Variant type: single nucleotide variant.
Coding change: c.270G>C on transcript NM_001134707.2 (MANE Select); coding-DNA position 270, G replaced by C.
Protein change: p.Met90Ile; replaces methionine 90 with isoleucine.
Molecular consequence: missense variant.
Genome position (GRCh38, 1-based): chr9:133,733,904, C>G on the plus strand (G>C on the coding strand, the complement: SARDH is on the minus strand). VCF-style: chr9-133733904-C-G. GRCh37 (hg19) VCF-style: chr9-136599026-C-G.
Other names: c.270G>C, p.Met90Ile (NM_007101.4); short protein forms M90I.
Identifiers: ClinVar variation 3038698 (VCV003038698.2), dbSNP rs147006467, ClinGen allele CA5314869.
Genomic context (GRCh38, chr9:133,733,904, plus strand): 5'-TGCCGTGTGCCAGGTGGTCCCGGAGGTCAGCCGCTCCCGCTCCAGCAGCACCGCCCCACT[C>G]ATGCCCAGCTTGGCCAGGTGGTACAGGGTCTGGCAGCCCAAGCTGCCTCCACCAATGACC-3'
Protein context (NP_001128179.1, residues 80-100): QTLYHLAKLG[Met90Ile]SGAVLLERER